The following is an entry in ClinVar:

ClinVar aggregate classification (germline): Uncertain significance. Review status: criteria provided, multiple submitters, no conflicts (2 of 4 stars). 2 submissions from 2 submitters: Uncertain significance (2). Last evaluated 2024-03-22.

Conditions:
Developmental and epileptic encephalopathy 94 (DEE94). Also called: Epileptic encephalopathy, childhood-onset; CHD2-Related Neurodevelopmental Disorders. Identifiers: Orphanet 1942, Orphanet 2382, MedGen C3809278, MONDO:0014150, OMIM 615369.

Submissions (2):

GeneDx
Classification: Uncertain significance. Last evaluated: 2024-03-22. Review status: criteria provided, single submitter. Criteria: GeneDx Variant Classification Process June 2021. Collection method: clinical testing. Allele origin: germline. Affected: yes.
Comment: Not observed at significant frequency in large population cohorts (gnomAD); In silico analysis supports a deleterious effect on splicing; Has not been previously published as pathogenic or benign to our knowledge

Labcorp Genetics (formerly Invitae), Labcorp
Classification: Uncertain significance for Developmental and epileptic encephalopathy 94. Last evaluated: 2023-10-08. Review status: criteria provided, single submitter. Criteria: Invitae Variant Classification Sherloc (09022015). Collection method: clinical testing. Allele origin: germline.
Comment: This sequence change falls in intron 2 of the CHD2 gene. It does not directly change the encoded amino acid sequence of the CHD2 protein. It affects a nucleotide within the consensus splice site. This variant is not present in population databases (gnomAD no frequency). This variant has not been reported in the literature in individuals affected with CHD2-related conditions. ClinVar contains an entry for this variant (Variation ID: 2013479). Variants that disrupt the consensus splice site are a relatively common cause of aberrant splicing (PMID: 17576681, 9536098). Algorithms developed to predict the effect of sequence changes on RNA splicing suggest that this variant may disrupt the consensus splice site. In summary, the available evidence is currently insufficient to determine the role of this variant in disease. Therefore, it has been classified as a Variant of Uncertain Significance.

Literature cited by the submitters: PubMed 17576681 (cited by Labcorp Genetics (formerly Invitae), Labcorp); PubMed 9536098 (cited by Labcorp Genetics (formerly Invitae), Labcorp).

NM_001271.4(CHD2):c.62+3A>G

Gene: CHD2 (chromodomain helicase DNA binding protein 2; plus strand). Cytogenetic location: 15q26.1.
Variant type: single nucleotide variant.
Coding change: c.62+3A>G on transcript NM_001271.4 (MANE Select); 3 bases into the intron after coding-DNA position 62, A replaced by G.
Molecular consequence: intron variant.
Genome position (GRCh38, 1-based): chr15:92,901,302, A>G. VCF-style: chr15-92901302-A-G. GRCh37 (hg19) VCF-style: chr15-93444532-A-G.
Other names: c.62+3A>G (NM_001042572.3).
Identifiers: ClinVar variation 2013479 (VCV002013479.5), dbSNP rs2505310705, ClinGen allele CA393892471.
Genomic context (GRCh38, chr15:92,901,302, plus strand): 5'-TGAGAAATAAGGACAAAAGCCAAGAGGAGGACAGTTCGCTACACAGCAATGCATCGAGGT[A>G]TGAGCTATCAACTTTCTTCCTTTTTGTCTTTTTTTTTGGGGGAGAAACCTCAGCTTACAA-3'